The following is an entry in ClinVar:

ClinVar aggregate classification (germline): Uncertain significance (1 of 4 stars; one submission).

Submission:

GeneDx
Classification: Uncertain significance. Last evaluated: 2025-02-21. Review status: criteria provided, single submitter. Criteria: GeneDx Variant Classification Process June 2021. Collection method: clinical testing. Allele origin: germline. Affected: yes.
Comment: Not observed at significant frequency in large population cohorts (gnomAD); In silico analysis supports that this missense variant has a deleterious effect on protein structure/function; Has not been previously published as pathogenic or benign to our knowledge

NM_006516.4(SLC2A1):c.358G>A (p.Glu120Lys)

Gene: SLC2A1 (solute carrier family 2 member 1; minus strand). Cytogenetic location: 1p34.2.
Variant type: single nucleotide variant.
Coding change: c.358G>A on transcript NM_006516.4 (MANE Select); coding-DNA position 358, G replaced by A.
Protein change: p.Glu120Lys; replaces glutamic acid 120 with lysine.
Molecular consequence: missense variant.
Genome position (GRCh38, 1-based): chr1:42,930,784, C>T on the plus strand (G>A on the coding strand, the complement: SLC2A1 is on the minus strand). VCF-style: chr1-42930784-C-T. GRCh37 (hg19) VCF-style: chr1-43396455-C-T.
Other names: short protein forms E120K.
Identifiers: ClinVar variation 4076729 (VCV004076729.1).
Genomic context (GRCh38, chr1:42,930,784, plus strand): 5'-CGAAGCCTGTGGTCAGGCCGCAGTACACACCGATGATGAAGCGGCCCAGGATCAGCATCT[C>T]AAAGGACTTGCCCAGTTTCGAGAAGCCCATGAGCACGGCGGACACGAAGGCCAGCAGGTT-3'
Protein context (NP_006507.2, residues 110-130): MGFSKLGKSF[Glu120Lys]MLILGRFIIG